The following is an entry in ClinVar:

NM_001330063.2(ANKFY1):c.1136A>G (p.Asn379Ser)

Gene: ANKFY1 (ankyrin repeat and FYVE domain containing 1; minus strand). Cytogenetic location: 17p13.2.
Variant type: single nucleotide variant.
Coding change: c.1136A>G on transcript NM_001330063.2 (MANE Select); coding-DNA position 1136, A replaced by G.
Protein change: p.Asn379Ser; replaces asparagine 379 with serine.
Molecular consequence: missense variant. On other transcripts: non-coding transcript variant (1).
Genome position (GRCh38, 1-based): chr17:4,195,439, T>C on the plus strand (A>G on the coding strand, the complement: ANKFY1 is on the minus strand). VCF-style: chr17-4195439-T-C. GRCh37 (hg19) VCF-style: chr17-4098734-T-C.
Other names: c.1262A>G, p.Asn421Ser (NM_001257999.3); c.1136A>G, p.Asn379Ser (NM_016376.5); short protein forms N379S, N421S.
Identifiers: ClinVar variation 3345091 (VCV003345091.1).

ClinVar aggregate classification (germline): Uncertain significance (0 of 4 stars; one submission).

Conditions:
ANKFY1-related disorder. Also called: ANKFY1-related condition.

Submission:

PreventionGenetics, part of Exact Sciences
Classification: Uncertain significance for ANKFY1-related condition. Last evaluated: 2024-05-19. Review status: no assertion criteria provided. Collection method: clinical testing. Allele origin: germline.
Comment: The ANKFY1 c.1262A>G variant is predicted to result in the amino acid substitution p.Asn421Ser. To our knowledge, this variant has not been reported in the literature or in a large population database, indicating this variant is rare. At this time, the clinical significance of this variant is uncertain due to the absence of conclusive functional and genetic evidence.